The following is an entry in ClinVar:

ClinVar aggregate classification (germline): Pathogenic. Review status: criteria provided, single submitter (1 of 4 stars). 2 submissions from 2 submitters: Pathogenic (1). 1 of the submissions does not count toward it. Last evaluated 2022-06-09.

Conditions:
Meckel-Gruber syndrome. Also called: DYSENCEPHALIA SPLANCHNOCYSTICA; GRUBER SYNDROME; Dysencephalia splachnocystica. Identifiers: Orphanet 564, MedGen C0265215, MONDO:0018921.
Joubert syndrome. Also called: CEREBELLOPARENCHYMAL DISORDER IV; JOUBERT-BOLTSHAUSER SYNDROME; Familial aplasia of the vermis. Identifiers: Orphanet 475, MedGen C5979921, MONDO:0018772.
Meckel syndrome, type 3 (MKS3). Also called: MECKEL-GRUBER SYNDROME, TYPE 3. Identifiers: Orphanet 564, MedGen C1846357, MONDO:0011821, OMIM 607361.

Allele frequency attached by ClinVar (database versions not stated): gnomAD exomes below 0.00001 and 0.00001; ExAC 0.00001; gnomAD 0.00001.
gnomAD v4.1: 2 of 1,613,460 alleles (0.00012%); highest among the groups gnomAD compares: Non-Finnish European, 0.00017%; no homozygotes.

Submissions (2):

Labcorp Genetics (formerly Invitae), Labcorp
Classification: Pathogenic for Joubert syndrome; Meckel-Gruber syndrome. Last evaluated: 2022-06-09. Review status: criteria provided, single submitter. Criteria: Invitae Variant Classification Sherloc (09022015). Collection method: clinical testing. Allele origin: germline.
Comment: For these reasons, this variant has been classified as Pathogenic. ClinVar contains an entry for this variant (Variation ID: 56782). This premature translational stop signal has been observed in individual(s) with clinical features of Meckel syndrome (PMID: 20232449). In at least one individual the data is consistent with being in trans (on the opposite chromosome) from a pathogenic variant. This variant is present in population databases (rs386834201, gnomAD 0.002%). This sequence change creates a premature translational stop signal (p.Cys129*) in the TMEM67 gene. It is expected to result in an absent or disrupted protein product. Loss-of-function variants in TMEM67 are known to be pathogenic (PMID: 20232449, 23559409).

Juha Muilu Group; Institute for Molecular Medicine Finland (FIMM)
Classification: Likely pathogenic for Meckel syndrome type 3. Review status: no assertion criteria provided. Collection method: not provided. Allele origin: unknown. Not counted in ClinVar's aggregate classification.
Comment: FinDis database variant: This variant was not found or characterized by our laboratory, data were collected from public sources: see reference
ClinVar note: Converted during submission from probable-pathogenic to Likely pathogenic.

Literature cited by the submitters: PubMed 20232449 (cited by Labcorp Genetics (formerly Invitae), Labcorp); PubMed 23559409 (cited by Labcorp Genetics (formerly Invitae), Labcorp).

NM_153704.6(TMEM67):c.387T>A (p.Cys129Ter)

Gene: TMEM67 (transmembrane protein 67; plus strand). Cytogenetic location: 8q22.1.
Variant type: single nucleotide variant.
Coding change: c.387T>A on transcript NM_153704.6 (MANE Select); coding-DNA position 387, T replaced by A.
Protein change: p.Cys129Ter; replaces cysteine 129 with a stop codon.
Molecular consequence: nonsense. On other transcripts: missense variant (1), non-coding transcript variant (1).
Genome position (GRCh38, 1-based): chr8:93,758,557, T>A. VCF-style: chr8-93758557-T-A. GRCh37 (hg19) VCF-style: chr8-94770785-T-A.
Other names: c.10T>A, p.Ser4Thr (NM_001142301.1); short protein forms C129*, S4T.
Identifiers: ClinVar variation 56782 (VCV000056782.7), dbSNP rs386834201, ClinGen allele CA144487.